The following is an entry in ClinVar:

GRCh38/hg38 1p36.33(chr1:911300-1084417)x3

Genes: AGRN (agrin; plus strand), C1orf159 (chromosome 1 open reading frame 159; minus strand), HES4 (hes family bHLH transcription factor 4; minus strand), ISG15 (ISG15 ubiquitin like modifier; plus strand), KLHL17 (kelch like family member 17; plus strand) and 35 more. Cytogenetic location: 1p36.33.
Variant type: copy number gain.
Change: copy number 3 (three copies instead of two) of chr1:911,300-1,084,417 (173.1 kb, GRCh38 coordinates, 1-based), cytogenetic band 1p36.33.
Identifiers: ClinVar variation 57488 (VCV000057488.1).

ClinVar aggregate classification (germline): Uncertain significance (1 of 4 stars; one submission).

Submission:

ISCA site 4
Classification: Uncertain significance. Last evaluated: 2011-08-12. Review status: criteria provided, single submitter. Criteria: Kaminsky et al. (Genet Med. 2011). Collection method: clinical testing. Allele origin: unknown. Affected: yes. Observed: 1 variant allele.
Comment: Copy number variation identified through the course of routine clinical cytogenomic testing in postnatal populations. Clinical assertions have been curated as described in Kaminsky et al. 2011.